The following is an entry in ClinVar:

NM_024757.5(EHMT1):c.870dup (p.Arg291fs)

Gene: EHMT1 (euchromatic histone lysine methyltransferase 1; plus strand). Cytogenetic location: 9q34.3.
Variant type: Duplication.
Coding change: c.870dup on transcript NM_024757.5 (MANE Select); coding-DNA position 870, one base duplicated (A; older notation c.870dupA).
Protein change: p.Arg291fs; shifts the reading frame from arginine 291.
Molecular consequence: frameshift variant.
Genome position (GRCh38, 1-based): chr9:137,743,417, A duplicated; the last of 6 consecutive A bases (chr9:137,743,412-137,743,417); duplicating any one gives the same sequence. VCF-style (leftmost placement, unchanged base first): chr9-137743411-G-GA. GRCh37 (hg19) VCF-style: chr9-140637863-G-GA.
Other names: c.870dup, p.Arg291fs (NM_001145527.2, NM_001354611.2); c.777dup, p.Arg260fs (NM_001354259.2, NM_001354612.2); c.849dup, p.Arg284fs (NM_001354263.2); short protein forms R260fs, R284fs, R291fs.
Identifiers: ClinVar variation 973220 (VCV000973220.5), dbSNP rs1948278092, ClinGen allele CA1139661356.

ClinVar aggregate classification (germline): Likely pathogenic (1 of 4 stars; one submission).

Conditions:
Kleefstra syndrome 1 (KLEFS1). Identifiers: Orphanet 261494, MedGen C0795833, MONDO:0027407, OMIM 610253.

Submission:

Institute for Genomic Medicine (IGM) Clinical Laboratory, Nationwide Children's Hospital
Classification: Likely pathogenic for Kleefstra syndrome 1. Last evaluated: 2019-02-13. Review status: criteria provided, single submitter. Criteria: ACMG Guidelines, 2015. Collection method: clinical testing. Allele origin: germline. Affected: yes.
Comment: [ACMG/AMP: PVS1, PM2] This alteration is a null variant in a gene where LOF is a known mechanism of disease [PVS1], is absent from or rarely observed in large-scale population databases [PM2].